The following is an entry in ClinVar:

ClinVar aggregate classification (germline): Pathogenic. Review status: criteria provided, multiple submitters, no conflicts (2 of 4 stars). 3 submissions from 3 submitters: Pathogenic (3). Last evaluated 2024-05-02.

Conditions:
Primary ciliary dyskinesia. Also called: Ciliary dyskinesia. Identifiers: Orphanet 244, MedGen C0008780, MONDO:0016575, HP:0012265.
Primary ciliary dyskinesia 3. Identifiers: Orphanet 244, MedGen C1837618, MONDO:0012085, OMIM 608644.

Submissions (3):

Myriad Genetics, Inc.
Classification: Pathogenic for Primary ciliary dyskinesia 3. Last evaluated: 2024-05-02. Review status: criteria provided, single submitter. Criteria: Myriad Autosomal Dominant, Autosomal Recessive and X-Linked Classification Criteria (2023). Collection method: clinical testing. Allele origin: unknown.
Comment: NM_001369.2(DNAH5):c.3341_3342delAA(K1114Rfs*10) is expected to be pathogenic in the context of primary ciliary dyskinesia, DNAH5-related. This variant is predicted to lead to an abnormal or absent protein product due to the creation of a premature termination codon in DNAH5, a gene where loss-of-function variants are known to be pathogenic. Please note: this variant was assessed in the context of healthy population screening.

Labcorp Genetics (formerly Invitae), Labcorp
Classification: Pathogenic for Primary ciliary dyskinesia. Last evaluated: 2023-08-10. Review status: criteria provided, single submitter. Criteria: Invitae Variant Classification Sherloc (09022015). Collection method: clinical testing. Allele origin: germline.
Comment: For these reasons, this variant has been classified as Pathogenic. Algorithms developed to predict the effect of sequence changes on RNA splicing suggest that this variant may disrupt the consensus splice site. ClinVar contains an entry for this variant (Variation ID: 525454). This variant has not been reported in the literature in individuals affected with DNAH5-related conditions. This variant is present in population databases (rs768881056, gnomAD 0.003%). This sequence change creates a premature translational stop signal (p.Lys1114Argfs*10) in the DNAH5 gene. It is expected to result in an absent or disrupted protein product. Loss-of-function variants in DNAH5 are known to be pathogenic (PMID: 11788826, 16627867).

Ambry Genetics
Classification: Pathogenic for Primary ciliary dyskinesia. Last evaluated: 2019-07-23. Review status: criteria provided, single submitter. Criteria: Ambry Variant Classification Scheme 2023. Collection method: clinical testing. Allele origin: germline.
Comment: The c.3341_3342delAA pathogenic mutation, located in coding exon 22 of the DNAH5 gene, results from a deletion of two nucleotides at nucleotide positions 3341 to 3342, causing a translational frameshift with a predicted alternate stop codon (p.K1114Rfs*10). This alteration is expected to result in loss of function by premature protein truncation or nonsense-mediated mRNA decay. As such, this alteration is interpreted as a disease-causing mutation.

Literature cited by the submitters: PubMed 11788826 (cited by Labcorp Genetics (formerly Invitae), Labcorp); PubMed 16627867 (cited by Labcorp Genetics (formerly Invitae), Labcorp).

NM_001369.3(DNAH5):c.3341_3342del (p.Lys1114fs)

Genes: DNAH5 (dynein axonemal heavy chain 5; minus strand), DNAH5-AS1 (DNAH5 antisense RNA 1; plus strand). Cytogenetic location: 5p15.2.
Variant type: Deletion.
Coding change: c.3341_3342del on transcript NM_001369.3 (MANE Select); coding-DNA positions 3341 to 3342, 2 bases deleted (AA; older notation c.3341_3342delAA).
Protein change: p.Lys1114fs; shifts the reading frame from lysine 1114.
Molecular consequence: frameshift variant.
Genome position (GRCh38, 1-based): chr5:13,876,738-13,876,739, TT deleted on the plus strand (AA on the coding strand, the reverse complement: DNAH5 is on the minus strand); deleting any 2 consecutive bases within chr5:13,876,738-13,876,740 gives the same sequence; the c. name uses the placement nearest the transcript's 3' end. VCF-style (leftmost placement, unchanged base first): chr5-13876737-CTT-C. GRCh37 (hg19) VCF-style: chr5-13876846-CTT-C.
Other names: c.3341_3342delAA (NM_001369.2); short protein forms K1114fs.
Identifiers: ClinVar variation 525454 (VCV000525454.12), dbSNP rs768881056, ClinGen allele CA3204305.
Genomic context (GRCh38, chr5:13,876,737, plus strand): 5'-GACATACCTTTTTGGTGGAGTTGATAATTGTGCTAAGCACAGAAACTAATTTTACAATCT[CTT>C]TGTTTTCAGAAACATTCTTATAATAGTTCTTGGTTTGCACGGGAATGGGTAAATTTACAG-3'